The following is an entry in ClinVar:

NM_003280.3(TNNC1):c.56-9T>C

Gene: TNNC1 (troponin C1, slow skeletal and cardiac type; minus strand). Cytogenetic location: 3p21.1.
Variant type: single nucleotide variant.
Coding change: c.56-9T>C on transcript NM_003280.3 (MANE Select); 9 bases into the intron before coding-DNA position 56, T replaced by C.
Molecular consequence: intron variant.
Genome position (GRCh38, 1-based): chr3:52,452,261, A>G on the plus strand (T>C on the coding strand, the complement: TNNC1 is on the minus strand). VCF-style: chr3-52452261-A-G. GRCh37 (hg19) VCF-style: chr3-52486277-A-G.
Identifiers: ClinVar variation 165500 (VCV000165500.8), dbSNP rs727503497, ClinGen allele CA178259.

ClinVar aggregate classification (germline): Likely benign. Review status: criteria provided, multiple submitters, no conflicts (2 of 4 stars). 3 submissions from 3 submitters: Likely benign (3). Last evaluated 2024-02-12.

Conditions:
Hypertrophic cardiomyopathy 13. Also called: TNNC1-Related Familial Hypertrophic Cardiomyopathy. Identifiers: MedGen C2750472, MONDO:0013195, OMIM 613243.
Dilated cardiomyopathy 1Z (CMD1Z). Identifiers: Orphanet 154, MedGen C2678475, MONDO:0012745, OMIM 611879.

Allele frequency attached by ClinVar (database versions not stated): gnomAD 0.00001; gnomAD exomes 0.00001 and 0.00003; ExAC 0.00002; TOPMed 0.00002.
gnomAD v4.1: 19 of 1,608,804 alleles (0.0012%); highest among the groups gnomAD compares: South Asian, 0.016%; no homozygotes.

Submissions (3):

Labcorp Genetics (formerly Invitae), Labcorp
Classification: Likely benign for Hypertrophic cardiomyopathy 13; Dilated cardiomyopathy 1Z. Last evaluated: 2024-02-12. Review status: criteria provided, single submitter. Criteria: Invitae Variant Classification Sherloc (09022015). Collection method: clinical testing. Allele origin: germline.

Blueprint Genetics
Classification: Likely benign. Last evaluated: 2022-01-25. Review status: criteria provided, single submitter. Criteria: ACMG Guidelines, 2015. Collection method: clinical testing. Allele origin: germline.

Laboratory for Molecular Medicine, Mass General Brigham Personalized Medicine
Classification: Likely benign. Last evaluated: 2014-03-12. Review status: criteria provided, single submitter. Criteria: LMM Criteria. Collection method: clinical testing. Allele origin: germline. Observed: 1 variant allele.
Comment: 59-9T>C in intron 3 of TNNC1: This variant is not expected to have clinical sign ificance due the low probability of a T>C change at this position to impact spli cing. 59-9T>C in intron 3 of TNNC1 (allele frequency = n/a)